The following is an entry in ClinVar:

NM_004982.4(KCNJ8):c.43G>T (p.Ala15Ser)

Genes: KCNJ8 (potassium inwardly rectifying channel subfamily J member 8; minus strand), KCNJ8-AS1 (KCNJ8 antisense RNA 1; plus strand). Cytogenetic location: 12p12.1.
Variant type: single nucleotide variant.
Coding change: c.43G>T on transcript NM_004982.4 (MANE Select); coding-DNA position 43, G replaced by T.
Protein change: p.Ala15Ser; replaces alanine 15 with serine.
Molecular consequence: missense variant.
Genome position (GRCh38, 1-based): chr12:21,773,574, C>A on the plus strand (G>T on the coding strand, the complement: KCNJ8 is on the minus strand). VCF-style: chr12-21773574-C-A. GRCh37 (hg19) VCF-style: chr12-21926508-C-A.
Other names: short protein forms A15S.
Identifiers: ClinVar variation 2586231 (VCV002586231.2), dbSNP rs2540728845, ClinGen allele CA384132692.

ClinVar aggregate classification (germline): Uncertain significance (1 of 4 stars; one submission).

Conditions:
Cardiovascular phenotype. Identifiers: MedGen CN230736.

Submission:

Ambry Genetics
Classification: Uncertain significance for Cardiovascular phenotype. Last evaluated: 2023-08-29. Review status: criteria provided, single submitter. Criteria: Ambry Variant Classification Scheme 2023. Collection method: clinical testing. Allele origin: germline.
Comment: The p.A15S variant (also known as c.43G>T), located in coding exon 1 of the KCNJ8 gene, results from a G to T substitution at nucleotide position 43. The alanine at codon 15 is replaced by serine, an amino acid with similar properties. This amino acid position is not well conserved in available vertebrate species. In addition, this alteration is predicted to be tolerated by in silico analysis. Since supporting evidence is limited at this time, the clinical significance of this alteration remains unclear.